The following is an entry in ClinVar:

NM_000506.5(F2):c.439C>G (p.His147Asp)

Gene: F2 (coagulation factor II, thrombin; plus strand). Cytogenetic location: 11p11.2.
Variant type: single nucleotide variant.
Coding change: c.439C>G on transcript NM_000506.5 (MANE Select); coding-DNA position 439, C replaced by G.
Protein change: p.His147Asp; replaces histidine 147 with aspartic acid.
Molecular consequence: missense variant.
Genome position (GRCh38, 1-based): chr11:46,723,398, C>G. VCF-style: chr11-46723398-C-G. GRCh37 (hg19) VCF-style: chr11-46744948-C-G.
Other names: short protein forms H147D.
Identifiers: ClinVar variation 1740278 (VCV001740278.2), dbSNP rs1291424837, ClinGen allele CA380262890.

ClinVar aggregate classification (germline): Uncertain significance (1 of 4 stars; one submission).

Conditions:
Inborn genetic diseases. Identifiers: MedGen C0950123, MeSH D030342.

Submission:

Ambry Genetics
Classification: Uncertain significance for Inborn genetic diseases. Last evaluated: 2022-04-04. Review status: criteria provided, single submitter. Criteria: Ambry Variant Classification Scheme 2023. Collection method: clinical testing. Allele origin: germline.
Comment: The p.H147D variant (also known as c.439C>G), located in coding exon 6 of the F2 gene, results from a C to G substitution at nucleotide position 439. The histidine at codon 147 is replaced by aspartic acid, an amino acid with similar properties. This amino acid position is conserved. In addition, this alteration is predicted to be tolerated by in silico analysis. Since supporting evidence is limited at this time, the clinical significance of this alteration remains unclear.